The following is an entry in ClinVar:

ClinVar aggregate classification (germline): Uncertain significance (1 of 4 stars; one submission).

Conditions:
Autoimmune lymphoproliferative syndrome, type III caused by mutation in PRKCD. Identifiers: Orphanet 3261, Orphanet 664711, MedGen C3809928, MONDO:8000024, OMIM 615559.

Allele frequency attached by ClinVar (database versions not stated): gnomAD exomes below 0.00001.
gnomAD v4.1: 4 of 1,613,416 alleles (0.00025%); highest among the groups gnomAD compares: Non-Finnish European, 0.00034%; no homozygotes.

Submission:

Labcorp Genetics (formerly Invitae), Labcorp
Classification: Uncertain significance for Autoimmune lymphoproliferative syndrome, type III caused by mutation in PRKCD. Last evaluated: 2018-10-04. Review status: criteria provided, single submitter. Criteria: Invitae Variant Classification Sherloc (09022015). Collection method: clinical testing. Allele origin: germline.
Comment: This sequence change replaces arginine with cysteine at codon 449 of the PRKCD protein (p.Arg449Cys). The arginine residue is highly conserved and there is a large physicochemical difference between arginine and cysteine. This variant is not present in population databases (ExAC no frequency). This variant has not been reported in the literature in individuals with PRKCD-related disease. Algorithms developed to predict the effect of missense changes on protein structure and function (SIFT, PolyPhen-2, Align-GVGD) all suggest that this variant is likely to be disruptive, but these predictions have not been confirmed by published functional studies and their clinical significance is uncertain. In summary, the available evidence is currently insufficient to determine the role of this variant in disease. Therefore, it has been classified as a Variant of Uncertain Significance.

NM_006254.4(PRKCD):c.1345C>T (p.Arg449Cys)

Gene: PRKCD (protein kinase C delta; plus strand). Cytogenetic location: 3p21.1.
Variant type: single nucleotide variant.
Coding change: c.1345C>T on transcript NM_006254.4 (MANE Select); coding-DNA position 1345, C replaced by T.
Protein change: p.Arg449Cys; replaces arginine 449 with cysteine.
Molecular consequence: missense variant.
Genome position (GRCh38, 1-based): chr3:53,186,688, C>T. VCF-style: chr3-53186688-C-T. GRCh37 (hg19) VCF-style: chr3-53220704-C-T.
Other names: c.1345C>T, p.Arg449Cys (LRG_1327t1, NM_001316327.2, NM_001354679.2 and 2 more transcripts); c.1402C>T, p.Arg468Cys (NM_001354676.2); c.1393C>T, p.Arg465Cys (NM_001354678.2); short protein forms R449C, R468C, R465C.
Identifiers: ClinVar variation 655541 (VCV000655541.5), dbSNP rs1575542392, ClinGen allele CA353222491.